The following is an entry in ClinVar:

ClinVar aggregate classification (germline): Likely benign. Review status: criteria provided, multiple submitters, no conflicts (2 of 4 stars). 3 submissions from 3 submitters: Likely benign (3). Last evaluated 2026-02-10.

Conditions:
CDH23-related disorder. Also called: CDH23-related disorders; CDH23-related condition.

Allele frequency attached by ClinVar (database versions not stated): gnomAD 0.00001; ExAC 0.00002; gnomAD exomes 0.00003; TOPMed 0.00003; ESP Exome Variant Server 0.00008.
gnomAD v4.1: 43 of 1,613,506 alleles (0.0027%); highest among the groups gnomAD compares: African/African-American, 0.0067%; no homozygotes.

Submissions (3):

PreventionGenetics, part of Exact Sciences
Classification: Likely benign for CDH23-related condition. Last evaluated: 2026-02-10. Review status: criteria provided, single submitter. Criteria: ACMG Guidelines, 2015. Collection method: clinical testing. Allele origin: germline.
Comment: This variant is classified as likely benign based on ACMG/AMP sequence variant interpretation guidelines (Richards et al. 2015 PMID: 25741868, with internal and published modifications).

Labcorp Genetics (formerly Invitae), Labcorp
Classification: Likely benign. Last evaluated: 2024-02-15. Review status: criteria provided, single submitter. Criteria: Invitae Variant Classification Sherloc (09022015). Collection method: clinical testing. Allele origin: germline.

Blueprint Genetics
Classification: Likely benign. Last evaluated: 2023-10-30. Review status: criteria provided, single submitter. Criteria: ACMG Guidelines, 2015. Collection method: clinical testing. Allele origin: germline.

NM_022124.6(CDH23):c.2331G>A (p.Thr777=)

Gene: CDH23 (cadherin related 23; plus strand). Cytogenetic location: 10q22.1.
Variant type: single nucleotide variant.
Coding change: c.2331G>A on transcript NM_022124.6 (MANE Select); coding-DNA position 2331, G replaced by A.
Protein change: p.Thr777=; no amino-acid change (threonine 777 retained).
Molecular consequence: synonymous variant.
Genome position (GRCh38, 1-based): chr10:71,695,459, G>A. VCF-style: chr10-71695459-G-A. GRCh37 (hg19) VCF-style: chr10-73455216-G-A.
Other names: c.2331G>A, p.Thr777= (NM_001171930.2, NM_001171931.2).
Identifiers: ClinVar variation 745177 (VCV000745177.10), dbSNP rs367797304, ClinGen allele CA5544184.